The following is an entry in ClinVar:

NM_006459.4(ERLIN1):c.688C>T (p.Arg230Trp)

Gene: ERLIN1 (ER lipid raft associated 1; minus strand). Cytogenetic location: 10q24.31.
Variant type: single nucleotide variant.
Coding change: c.688C>T on transcript NM_006459.4 (MANE Select); coding-DNA position 688, C replaced by T.
Protein change: p.Arg230Trp; replaces arginine 230 with tryptophan.
Molecular consequence: missense variant. On other transcripts: non-coding transcript variant (6).
Genome position (GRCh38, 1-based): chr10:100,156,202, G>A on the plus strand (C>T on the coding strand, the complement: ERLIN1 is on the minus strand). VCF-style: chr10-100156202-G-A. GRCh37 (hg19) VCF-style: chr10-101915959-G-A.
Other names: c.688C>T (NM_006459.3); c.688C>T, p.Arg230Trp (NM_001100626.2, NM_001347857.2, NM_001347859.2 and 2 more transcripts); c.436C>T, p.Arg146Trp (NM_001347856.2); c.208C>T, p.Arg70Trp (NM_001347858.2); short protein forms R70W, R230W, R146W.
Identifiers: ClinVar variation 1491903 (VCV001491903.9), dbSNP rs774701385, ClinGen allele CA5646023.

ClinVar aggregate classification (germline): Uncertain significance. Review status: criteria provided, multiple submitters, no conflicts (2 of 4 stars). 2 submissions from 2 submitters: Uncertain significance (2). Last evaluated 2024-11-12.

Conditions:
Hereditary spastic paraplegia 62. Also called: Spastic paraplegia 62, autosomal recessive. Identifiers: Orphanet 401785, MedGen C4284588, MONDO:0014302, OMIM 615681.

Allele frequency attached by ClinVar (database versions not stated): gnomAD exomes 0.00001 and 0.00003; gnomAD 0.00002; TOPMed 0.00002; ExAC 0.00005.

Submissions (2):

Ambry Genetics
Classification: Uncertain significance. Last evaluated: 2024-11-12. Review status: criteria provided, single submitter. Criteria: Ambry Variant Classification Scheme 2023. Collection method: clinical testing. Allele origin: germline.

Labcorp Genetics (formerly Invitae), Labcorp
Classification: Uncertain significance for Hereditary spastic paraplegia 62. Last evaluated: 2022-06-13. Review status: criteria provided, single submitter. Criteria: Invitae Variant Classification Sherloc (09022015). Collection method: clinical testing. Allele origin: germline.
Comment: This variant has not been reported in the literature in individuals affected with ERLIN1-related conditions. In summary, the available evidence is currently insufficient to determine the role of this variant in disease. Therefore, it has been classified as a Variant of Uncertain Significance. Algorithms developed to predict the effect of missense changes on protein structure and function output the following: SIFT: "Deleterious"; PolyPhen-2: "Benign"; Align-GVGD: "Class C25". The tryptophan amino acid residue is found in multiple mammalian species, which suggests that this missense change does not adversely affect protein function. This variant is present in population databases (rs774701385, gnomAD 0.01%). This sequence change replaces arginine, which is basic and polar, with tryptophan, which is neutral and slightly polar, at codon 230 of the ERLIN1 protein (p.Arg230Trp).